The following is an entry in ClinVar:

NM_207346.3(TSEN54):c.1310C>T (p.Ala437Val)

Gene: TSEN54 (tRNA splicing endonuclease subunit 54; plus strand). Cytogenetic location: 17q25.1.
Variant type: single nucleotide variant.
Coding change: c.1310C>T on transcript NM_207346.3 (MANE Select); coding-DNA position 1310, C replaced by T.
Protein change: p.Ala437Val; replaces alanine 437 with valine.
Molecular consequence: missense variant.
Genome position (GRCh38, 1-based): chr17:75,523,332, C>T. VCF-style: chr17-75523332-C-T. GRCh37 (hg19) VCF-style: chr17-73519413-C-T.
Other names: short protein forms A437V.
Identifiers: ClinVar variation 160127 (VCV000160127.31), dbSNP rs8064529, ClinGen allele CA173712.

ClinVar aggregate classification (germline): Benign. Review status: criteria provided, multiple submitters, no conflicts (2 of 4 stars). 15 submissions from 13 submitters: Benign (11). 4 of the submissions do not count toward it. Last evaluated 2026-02-04.

Conditions:
Pontoneocerebellar hypoplasia. Also called: Pontocerebellar hypoplasia; Non-syndromic pontocerebellar hypoplasia. Identifiers: Orphanet 98523, MedGen C1261175, MONDO:0020135.
Pontocerebellar hypoplasia type 5 (PCH5). Also called: Pontocerebellar Hypoplasia Type 5 (PCH5). Identifiers: Orphanet 166068, MedGen C1857762, MONDO:0012438, OMIM 610204.
Pontocerebellar hypoplasia type 4 (PCH4). Also called: Pontocerebellar Hypoplasia Type 4 (PCH4). Identifiers: Orphanet 166063, MedGen C1856974, MONDO:0009166, OMIM 225753.
Pontocerebellar hypoplasia type 2A (PCH2A). Also called: PONTOCEREBELLAR HYPOPLASIA WITH PROGRESSIVE CEREBRAL ATROPHY; VOLENDAM NEURODEGENERATIVE DISEASE. Identifiers: Orphanet 2524, MedGen C1848526, MONDO:0010190, OMIM 277470.

Allele frequency attached by ClinVar (database versions not stated): gnomAD exomes 0.68008 and 0.61663; 1000 Genomes Project 30x 0.55903; 1000 Genomes Project 0.56130; TOPMed 0.61367; ExAC 0.62413; gnomAD 0.63395 and 0.63819; ESP Exome Variant Server 0.66070.
gnomAD v4.1: 1,088,940 of 1,613,570 alleles (67%); highest among the groups gnomAD compares: Non-Finnish European, 70%; 372,403 homozygotes.

Submissions (15):

Labcorp Genetics (formerly Invitae), Labcorp
Classification: Benign. Last evaluated: 2026-02-04. Review status: criteria provided, single submitter. Criteria: Invitae Variant Classification Sherloc (09022015). Collection method: clinical testing. Allele origin: germline.

Blueprint Genetics
Classification: Benign. Last evaluated: 2024-11-28. Review status: criteria provided, single submitter. Criteria: ACMG Guidelines, 2015. Collection method: clinical testing. Allele origin: germline.

Genome-Nilou Lab
Classification: Benign for Pontocerebellar hypoplasia type 2A. Last evaluated: 2021-09-10. Review status: criteria provided, single submitter. Criteria: ACMG Guidelines, 2015. Collection method: clinical testing. Allele origin: germline. Affected: no.

Genome-Nilou Lab
Classification: Benign for Pontocerebellar hypoplasia type 4. Last evaluated: 2021-09-10. Review status: criteria provided, single submitter. Criteria: ACMG Guidelines, 2015. Collection method: clinical testing. Allele origin: germline. Affected: no.

Genome-Nilou Lab
Classification: Benign for Pontocerebellar hypoplasia type 5. Last evaluated: 2021-09-10. Review status: criteria provided, single submitter. Criteria: ACMG Guidelines, 2015. Collection method: clinical testing. Allele origin: germline. Affected: no.

Illumina Laboratory Services, Illumina
Classification: Benign for Pontoneocerebellar hypoplasia. Last evaluated: 2018-01-13. Review status: criteria provided, single submitter. Criteria: ICSL Variant Classification Criteria 13 December 2019. Collection method: clinical testing. Allele origin: germline.
Comment: This variant was observed in the ICSL laboratory as part of a predisposition screen in an ostensibly healthy population. It had not been previously curated by ICSL or reported in the Human Gene Mutation Database (HGMD: prior to June 1st, 2018), and was therefore a candidate for classification through an automated scoring system. Utilizing variant allele frequency, disease prevalence and penetrance estimates, and inheritance mode, an automated score was calculated to assess if this variant is too frequent to cause the disease. Based on the score and internal cut-off values, a variant classified as benign is not then subjected to further curation. The score for this variant resulted in a classification of benign for this disease.

Athena Diagnostics
Classification: Benign. Last evaluated: 2017-04-20. Review status: criteria provided, single submitter. Criteria: Athena Diagnostics Criteria. Collection method: clinical testing. Allele origin: germline.

GeneDx
Classification: Benign. Last evaluated: 2015-03-03. Review status: criteria provided, single submitter. Criteria: GeneDx Variant Classification Process June 2021. Collection method: clinical testing. Allele origin: germline. Affected: yes.

Genetic Services Laboratory, University of Chicago
Classification: Benign. Last evaluated: 2013-02-08. Review status: criteria provided, single submitter. Criteria: ACMG Guidelines, 2007. Collection method: clinical testing. Allele origin: germline. Inheritance: Autosomal recessive inheritance.

Breakthrough Genomics
Classification: Benign. Review status: criteria provided, single submitter. Criteria: ACMG Guidelines, 2015. Collection method: not provided. Allele origin: germline. Inheritance: Autosomal recessive inheritance. Affected: yes.

PreventionGenetics, part of Exact Sciences
Classification: Benign. Review status: criteria provided, single submitter. Criteria: ACMG Guidelines, 2015. Collection method: clinical testing. Allele origin: germline.

Clinical Genetics DNA and cytogenetics Diagnostics Lab, Erasmus MC, Erasmus Medical Center
Classification: Benign. Review status: no assertion criteria provided. Collection method: clinical testing. Allele origin: germline. Affected: yes. Study: VKGL Data-share Consensus. Not counted in ClinVar's aggregate classification.

Clinical Genetics, Academic Medical Center
Classification: Benign. Review status: no assertion criteria provided. Collection method: clinical testing. Allele origin: germline. Affected: yes. Study: VKGL Data-share Consensus. Not counted in ClinVar's aggregate classification.

Diagnostic Laboratory, Department of Genetics, University Medical Center Groningen
Classification: Benign. Review status: no assertion criteria provided. Collection method: clinical testing. Allele origin: germline. Affected: yes. Study: VKGL Data-share Consensus. Not counted in ClinVar's aggregate classification.

Joint Genome Diagnostic Labs from Nijmegen and Maastricht, Radboudumc and MUMC+
Classification: Benign. Review status: no assertion criteria provided. Collection method: clinical testing. Allele origin: germline. Affected: yes. Study: VKGL Data-share Consensus. Not counted in ClinVar's aggregate classification.